The following is an entry in ClinVar:

NM_022051.3(EGLN1):c.649G>A (p.Glu217Lys)

Gene: EGLN1 (egl-9 family hypoxia inducible factor 1; minus strand). Cytogenetic location: 1q42.2.
Variant type: single nucleotide variant.
Coding change: c.649G>A on transcript NM_022051.3 (MANE Select); coding-DNA position 649, G replaced by A.
Protein change: p.Glu217Lys; replaces glutamic acid 217 with lysine.
Molecular consequence: missense variant.
Genome position (GRCh38, 1-based): chr1:231,421,240, C>T on the plus strand (G>A on the coding strand, the complement: EGLN1 is on the minus strand). VCF-style: chr1-231421240-C-T. GRCh37 (hg19) VCF-style: chr1-231556986-C-T.
Other names: c.649G>A, p.Glu217Lys (NM_001377260.1, NM_001377261.1); short protein forms E217K.
Identifiers: ClinVar variation 2565128 (VCV002565128.2), dbSNP rs2527359141, ClinGen allele CA345236134.

ClinVar aggregate classification (germline): Uncertain significance (1 of 4 stars; one submission).

Submission:

Ambry Genetics
Classification: Uncertain significance. Last evaluated: 2023-04-18. Review status: criteria provided, single submitter. Criteria: Ambry Variant Classification Scheme 2023. Collection method: clinical testing. Allele origin: germline.
Comment: The p.E217K variant (also known as c.649G>A), located in coding exon 1 of the EGLN1 gene, results from a G to A substitution at nucleotide position 649. The glutamic acid at codon 217 is replaced by lysine, an amino acid with similar properties. This amino acid position is conserved. In addition, this alteration is predicted to be tolerated by in silico analysis. Since supporting evidence is limited at this time, the clinical significance of this alteration remains unclear.